The following is an entry in ClinVar:

ClinVar aggregate classification (germline): Uncertain significance (1 of 4 stars; one submission).

Submission:

GeneDx
Classification: Uncertain significance. Last evaluated: 2022-07-15. Review status: criteria provided, single submitter. Criteria: GeneDx Variant Classification Process June 2021. Collection method: clinical testing. Allele origin: germline. Affected: yes.
Comment: Not observed at significant frequency in large population cohorts (gnomAD); In silico analysis supports that this missense variant has a deleterious effect on protein structure/function; Has not been previously published as pathogenic or benign to our knowledge

NM_025099.6(CTC1):c.2282T>G (p.Leu761Arg)

Gene: CTC1 (CST telomere replication complex component 1; minus strand). Cytogenetic location: 17p13.1.
Variant type: single nucleotide variant.
Coding change: c.2282T>G on transcript NM_025099.6 (MANE Select); coding-DNA position 2282, T replaced by G.
Protein change: p.Leu761Arg; replaces leucine 761 with arginine.
Molecular consequence: missense variant. On other transcripts: non-coding transcript variant (1).
Genome position (GRCh38, 1-based): chr17:8,232,006, A>C on the plus strand (T>G on the coding strand, the complement: CTC1 is on the minus strand). VCF-style: chr17-8232006-A-C. GRCh37 (hg19) VCF-style: chr17-8135324-A-C.
Other names: c.2282T>G, p.Leu761Arg (NM_001411067.1); short protein forms L761R.
Identifiers: ClinVar variation 1878907 (VCV001878907.1), dbSNP rs2507897048, ClinGen allele CA397977792.